The following is an entry in ClinVar:

NM_001330260.2(SCN8A):c.5607G>A (p.Met1869Ile)

Gene: SCN8A (sodium voltage-gated channel alpha subunit 8; plus strand). Cytogenetic location: 12q13.13.
Variant type: single nucleotide variant.
Coding change: c.5607G>A on transcript NM_001330260.2 (MANE Select); coding-DNA position 5607, G replaced by A.
Protein change: p.Met1869Ile; replaces methionine 1869 with isoleucine.
Molecular consequence: missense variant.
Genome position (GRCh38, 1-based): chr12:51,807,093, G>A. VCF-style: chr12-51807093-G-A. GRCh37 (hg19) VCF-style: chr12-52200877-G-A.
Other names: c.5484G>A, p.Met1828Ile (NM_001177984.3, NM_001369788.1); c.5607G>A, p.Met1869Ile (NM_014191.4); short protein forms M1869I, M1828I.
Identifiers: ClinVar variation 573313 (VCV000573313.9), dbSNP rs1565934425, ClinGen allele CA384887991.

ClinVar aggregate classification (germline): Uncertain significance (1 of 4 stars; one submission).

Conditions:
Early-infantile DEE. Also called: Ohtahara syndrome; Early infantile epileptic encephalopathy; Early infantile epileptic encephalopathy with suppression bursts. Identifiers: Orphanet 1934, MedGen C0393706, MONDO:0800491.

Submission:

Labcorp Genetics (formerly Invitae), Labcorp
Classification: Uncertain significance for Early-infantile DEE. Last evaluated: 2024-09-19. Review status: criteria provided, single submitter. Criteria: Invitae Variant Classification Sherloc (09022015). Collection method: clinical testing. Allele origin: germline.
Comment: This sequence change replaces methionine, which is neutral and non-polar, with isoleucine, which is neutral and non-polar, at codon 1869 of the SCN8A protein (p.Met1869Ile). This variant is not present in population databases (gnomAD no frequency). This variant has not been reported in the literature in individuals affected with SCN8A-related conditions. ClinVar contains an entry for this variant (Variation ID: 573313). Invitae Evidence Modeling of protein sequence and biophysical properties (such as structural, functional, and spatial information, amino acid conservation, physicochemical variation, residue mobility, and thermodynamic stability) has been performed for this missense variant. However, the output from this modeling did not meet the statistical confidence thresholds required to predict the impact of this variant on SCN8A protein function. In summary, the available evidence is currently insufficient to determine the role of this variant in disease. Therefore, it has been classified as a Variant of Uncertain Significance.